The following is an entry in ClinVar:

NM_001191061.2(SLC25A22):c.*453C>T

Gene: SLC25A22 (solute carrier family 25 member 22; minus strand). Cytogenetic location: 11p15.5.
Variant type: single nucleotide variant.
Coding change: c.*453C>T on transcript NM_001191061.2 (MANE Select); 453 bases downstream of the stop codon, C replaced by T.
Molecular consequence: 3 prime UTR variant.
Genome position (GRCh38, 1-based): chr11:791,462, G>A on the plus strand (C>T on the coding strand, the complement: SLC25A22 is on the minus strand). VCF-style: chr11-791462-G-A. GRCh37 (hg19) VCF-style: chr11-791462-G-A.
Other names: c.*453C>T (NM_001191060.2, NM_024698.6).
Identifiers: ClinVar variation 306252 (VCV000306252.6), dbSNP rs4963153, ClinGen allele CA10635744.

ClinVar aggregate classification (germline): Benign. Review status: criteria provided, multiple submitters, no conflicts (2 of 4 stars). 2 submissions from 2 submitters: Benign (2). Last evaluated 2018-01-13.

Conditions:
Early Myoclonic Encephalopathy. Identifiers: MedGen C0270855.

Allele frequency attached by ClinVar (database versions not stated): gnomAD 0.38209 and 0.37840; 1000 Genomes Project 0.29932; gnomAD exomes 0.41998; 1000 Genomes Project 30x 0.29825; TOPMed 0.37029.

Submissions (2):

Illumina Laboratory Services, Illumina
Classification: Benign for Developmental and epileptic encephalopathy, 3. Last evaluated: 2018-01-13. Review status: criteria provided, single submitter. Criteria: ICSL Variant Classification Criteria 13 December 2019. Collection method: clinical testing. Allele origin: germline.
Comment: This variant was observed in the ICSL laboratory as part of a predisposition screen in an ostensibly healthy population. It had not been previously curated by ICSL or reported in the Human Gene Mutation Database (HGMD: prior to June 1st, 2018), and was therefore a candidate for classification through an automated scoring system. Utilizing variant allele frequency, disease prevalence and penetrance estimates, and inheritance mode, an automated score was calculated to assess if this variant is too frequent to cause the disease. Based on the score and internal cut-off values, a variant classified as benign is not then subjected to further curation. The score for this variant resulted in a classification of benign for this disease.

Breakthrough Genomics
Classification: Benign. Review status: criteria provided, single submitter. Criteria: ACMG Guidelines, 2015. Collection method: not provided. Allele origin: germline. Inheritance: Autosomal recessive inheritance. Affected: yes.